The following is an entry in ClinVar:

NM_203446.3(SYNJ1):c.6G>A (p.Ala2=)

Gene: SYNJ1 (synaptojanin 1; minus strand). Cytogenetic location: 21q22.11.
Variant type: single nucleotide variant.
Coding change: c.6G>A on transcript NM_203446.3 (MANE Select); coding-DNA position 6, G replaced by A.
Protein change: p.Ala2=; no amino-acid change (alanine 2 retained).
Molecular consequence: synonymous variant.
Genome position (GRCh38, 1-based): chr21:32,726,890, C>T on the plus strand (G>A on the coding strand, the complement: SYNJ1 is on the minus strand). VCF-style: chr21-32726890-C-T. GRCh37 (hg19) VCF-style: chr21-34099201-C-T.
Other names: p.Ala41=; c.6G>A, p.Ala2= (NM_001160302.2, NM_001160306.2); c.123G>A, p.Ala41= (NM_003895.4).
Identifiers: ClinVar variation 478326 (VCV000478326.59), dbSNP rs61750221, ClinGen allele CA10004232.

ClinVar aggregate classification (germline): Benign/Likely benign. Review status: criteria provided, multiple submitters, no conflicts (2 of 4 stars). 8 submissions from 8 submitters: Benign (4); Likely benign (3). 1 of the submissions does not count toward it. Last evaluated 2026-09-01.

Conditions:
SYNJ1-related disorder. Also called: SYNJ1-related condition.
Developmental and epileptic encephalopathy, 53. Also called: Epileptic encephalopathy, early infantile, 53. Identifiers: MedGen C4479313, MONDO:0033362, OMIM 617389.
Early-onset Parkinson disease 20. Also called: PARKINSON DISEASE 20, AUTOSOMAL RECESSIVE EARLY-ONSET. Identifiers: Orphanet 391411, MedGen C3809824, MONDO:0014233, OMIM 615530.

Allele frequency attached by ClinVar (database versions not stated): 1000 Genomes Project 0.00240; 1000 Genomes Project 30x 0.00265; gnomAD 0.00452; ExAC 0.00460; gnomAD exomes 0.00510; TOPMed 0.00630; ESP Exome Variant Server 0.00669.
gnomAD v4.1: 13,912 of 1,614,054 alleles (0.86%); highest among the groups gnomAD compares: Non-Finnish European, 1.1%; 92 homozygotes.

Submissions (8):

CeGaT Center for Human Genetics Tuebingen
Classification: Benign. Last evaluated: 2026-09-01. Review status: criteria provided, single submitter. Criteria: CeGaT Center For Human Genetics Tuebingen Variant Classification Criteria Version 2. Collection method: clinical testing. Allele origin: germline. Affected: yes. Observed: 55 variant alleles.
Comment: SYNJ1: BP4, BP7, BS1, BS2

Labcorp Genetics (formerly Invitae), Labcorp
Classification: Benign for Developmental and epileptic encephalopathy, 53; Early-onset Parkinson disease 20. Last evaluated: 2026-02-03. Review status: criteria provided, single submitter. Criteria: Invitae Variant Classification Sherloc (09022015). Collection method: clinical testing. Allele origin: germline.

Mayo Clinic Laboratories, Mayo Clinic
Classification: Benign. Last evaluated: 2023-06-16. Review status: criteria provided, single submitter. Criteria: ACMG Guidelines, 2015. Collection method: clinical testing. Allele origin: germline. Observed: 25 variant alleles.
Comment: BS1, BS2

Fulgent Genetics
Classification: Likely benign for Early-onset Parkinson disease 20; Developmental and epileptic encephalopathy, 53. Last evaluated: 2022-02-09. Review status: criteria provided, single submitter. Criteria: ACMG Guidelines, 2015. Collection method: clinical testing. Allele origin: unknown.

GeneDx
Classification: Likely benign. Last evaluated: 2021-02-12. Review status: criteria provided, single submitter. Criteria: GeneDx Variant Classification Process June 2021. Collection method: clinical testing. Allele origin: germline. Affected: yes.

Athena Diagnostics
Classification: Benign. Last evaluated: 2018-03-14. Review status: criteria provided, single submitter. Criteria: Athena Diagnostics Criteria. Collection method: clinical testing. Allele origin: germline.

Breakthrough Genomics
Classification: Likely benign. Review status: criteria provided, single submitter. Criteria: ACMG Guidelines, 2015. Collection method: not provided. Allele origin: germline. Inheritance: Autosomal recessive inheritance. Affected: yes.

PreventionGenetics, part of Exact Sciences
Classification: Benign for SYNJ1-related condition. Last evaluated: 2020-01-22. Review status: no assertion criteria provided. Collection method: clinical testing. Allele origin: germline. Not counted in ClinVar's aggregate classification.
Comment: This variant is classified as benign based on ACMG/AMP sequence variant interpretation guidelines (Richards et al. 2015 PMID: 25741868, with internal and published modifications).